The following is an entry in ClinVar:

NM_133642.5(LARGE1):c.1416G>A (p.Thr472=)

Gene: LARGE1 (LARGE xylosyl- and glucuronyltransferase 1; minus strand). Cytogenetic location: 22q12.3.
Variant type: single nucleotide variant.
Coding change: c.1416G>A on transcript NM_133642.5 (MANE Select); coding-DNA position 1416, G replaced by A.
Protein change: p.Thr472=; no amino-acid change (threonine 472 retained).
Molecular consequence: synonymous variant.
Genome position (GRCh38, 1-based): chr22:33,316,120, C>T on the plus strand (G>A on the coding strand, the complement: LARGE1 is on the minus strand). VCF-style: chr22-33316120-C-T. GRCh37 (hg19) VCF-style: chr22-33712106-C-T.
Other names: c.1416G>A, p.Thr472= (NM_001362949.2, NM_001362951.2, NM_001362953.2 and 6 more transcripts); c.1260G>A, p.Thr420= (NM_001378629.1); c.813G>A, p.Thr271= (NM_001378630.1); c.657G>A, p.Thr219= (NM_001378631.1).
Identifiers: ClinVar variation 533120 (VCV000533120.30), dbSNP rs755991003, ClinGen allele CA10202754.

ClinVar aggregate classification (germline): Likely benign. Review status: criteria provided, multiple submitters, no conflicts (2 of 4 stars). 2 submissions from 2 submitters: Likely benign (2). Last evaluated 2025-11-20.

Conditions:
Muscular dystrophy-dystroglycanopathy type B6 (MDDGB6). Also called: MUSCULAR DYSTROPHY-DYSTROGLYCANOPATHY (CONGENITAL WITH IMPAIRED INTELLECTUAL DEVELOPMENT), TYPE B, 6; MUSCULAR DYSTROPHY, CONGENITAL, LARGE-RELATED; MUSCULAR DYSTROPHY, CONGENITAL, TYPE 1D. Identifiers: MedGen C1837229, MONDO:0012138, OMIM 608840.

Allele frequency attached by ClinVar (database versions not stated): gnomAD 0.00001 and 0.00002; TOPMed 0.00001; gnomAD exomes 0.00002; ExAC 0.00003.
gnomAD v4.1: 31 of 1,613,930 alleles (0.0019%); highest among the groups gnomAD compares: East Asian, 0.0022%; no homozygotes.

Submissions (2):

Labcorp Genetics (formerly Invitae), Labcorp
Classification: Likely benign for Muscular dystrophy-dystroglycanopathy type B6. Last evaluated: 2025-11-20. Review status: criteria provided, single submitter. Criteria: Invitae Variant Classification Sherloc (09022015). Collection method: clinical testing. Allele origin: germline.

CeGaT Center for Human Genetics Tuebingen
Classification: Likely benign. Last evaluated: 2024-01-01. Review status: criteria provided, single submitter. Criteria: CeGaT Center For Human Genetics Tuebingen Variant Classification Criteria Version 2. Collection method: clinical testing. Allele origin: germline. Affected: yes. Observed: 1 variant allele.
Comment: LARGE1: BP4, BP7